The following is an entry in ClinVar:

NM_017780.4(CHD7):c.499_516del (p.Pro167_Pro172del)

Gene: CHD7 (chromodomain helicase DNA binding protein 7; plus strand). Cytogenetic location: 8q12.2.
Variant type: Deletion.
Coding change: c.499_516del on transcript NM_017780.4 (MANE Select); coding-DNA positions 499 to 516, 18 bases deleted (CCGCAGCCACCGCAGCCG).
Protein change: p.Pro167_Pro172del.
Molecular consequence: inframe deletion.
Genome position (GRCh38, 1-based): chr8:60,741,931-60,741,948, CCGCAGCCACCGCAGCCG deleted; deleting any 18 consecutive bases within chr8:60,741,930-60,741,948 gives the same sequence; the c. name uses the placement nearest the transcript's 3' end. VCF-style (leftmost placement, unchanged base first): chr8-60741929-AGCCGCAGCCACCGCAGCC-A. GRCh37 (hg19) VCF-style: chr8-61654488-AGCCGCAGCCACCGCAGCC-A.
Other names: c.499_516del, p.Pro167_Pro172del (NM_001316690.1).
Identifiers: ClinVar variation 2747789 (VCV002747789.3), dbSNP rs2487264624, ClinGen allele CA2697549935.

ClinVar aggregate classification (germline): Uncertain significance (1 of 4 stars; one submission).

Conditions:
CHARGE syndrome (CHARGE). Also called: Hittner Hirsch Kreh syndrome; CHARGE ASSOCIATION--COLOBOMA, HEART ANOMALY, CHOANAL ATRESIA, RETARDATION, GENITAL AND EAR ANOMALIES; Coloboma, heart anomaly, choanal atresia, retardation, genital and ear anomalies; CHARGE association; Hall-Hittner syndrome. Identifiers: Orphanet 138, MedGen C0265354, MONDO:0008965.

Submission:

Labcorp Genetics (formerly Invitae), Labcorp
Classification: Uncertain significance for CHARGE syndrome. Last evaluated: 2024-10-29. Review status: criteria provided, single submitter. Criteria: Invitae Variant Classification Sherloc (09022015). Collection method: clinical testing. Allele origin: germline.
Comment: This variant, c.499_516del, results in the deletion of 6 amino acid(s) of the CHD7 protein (p.Pro167_Pro172del), but otherwise preserves the integrity of the reading frame. This variant is not present in population databases (gnomAD no frequency). This variant has not been reported in the literature in individuals affected with CHD7-related conditions. ClinVar contains an entry for this variant (Variation ID: 2747789). Experimental studies and prediction algorithms are not available or were not evaluated, and the functional significance of this variant is currently unknown. In summary, the available evidence is currently insufficient to determine the role of this variant in disease. Therefore, it has been classified as a Variant of Uncertain Significance.